The following is an entry in ClinVar:

ClinVar aggregate classification (germline): Likely pathogenic (1 of 4 stars; one submission).

Conditions:
Dilated cardiomyopathy 1G (CMD1G). Identifiers: Orphanet 154, MedGen C1858763, MONDO:0011400, OMIM 604145.
Autosomal recessive limb-girdle muscular dystrophy type 2J (LGMDR10). Also called: Limb-girdle muscular dystrophy, type 2J; MUSCULAR DYSTROPHY, LIMB-GIRDLE, AUTOSOMAL RECESSIVE 10. Identifiers: Orphanet 140922, MedGen C1837342, MONDO:0012127, OMIM 608807.

Submission:

Labcorp Genetics (formerly Invitae), Labcorp
Classification: Likely pathogenic for Dilated cardiomyopathy 1G; Autosomal recessive limb-girdle muscular dystrophy type 2J. Last evaluated: 2021-09-21. Review status: criteria provided, single submitter. Criteria: Invitae Variant Classification Sherloc (09022015). Collection method: clinical testing. Allele origin: germline.
Comment: In summary, the currently available evidence indicates that the variant is pathogenic, but additional data are needed to prove that conclusively. Therefore, this variant has been classified as Likely Pathogenic. This variant is located in the A band of TTN (PMID: 25589632). Truncating variants in this region are significantly overrepresented in patients affected with dilated cardiomyopathy (PMID: 25589632). Truncating variants in this region have also been reported in individuals affected with autosomal recessive centronuclear myopathy (PMID: 23975875). This variant has not been reported in the literature in individuals affected with TTN-related conditions. This variant is not present in population databases (ExAC no frequency). This sequence change creates a premature translational stop signal (p.Trp30077*) in the TTN gene. While this is not anticipated to result in nonsense mediated decay, it is expected to create a truncated TTN protein.

Literature cited by the submitters: PubMed 25589632; PubMed 23975875.

NM_001267550.2(TTN):c.90231G>A (p.Trp30077Ter)

Genes: TTN (titin; minus strand), TTN-AS1 (TTN antisense RNA 1; plus strand). Cytogenetic location: 2q31.2.
Variant type: single nucleotide variant.
Coding change: c.90231G>A on transcript NM_001267550.2 (MANE Select); coding-DNA position 90231, G replaced by A.
Protein change: p.Trp30077Ter; replaces tryptophan 30077 with a stop codon.
Molecular consequence: nonsense.
Genome position (GRCh38, 1-based): chr2:178,552,669, C>T on the plus strand (G>A on the coding strand, the complement: TTN is on the minus strand). VCF-style: chr2-178552669-C-T. GRCh37 (hg19) VCF-style: chr2-179417396-C-T.
Other names: c.85308G>A, p.Trp28436Ter (NM_001256850.1); c.63036G>A, p.Trp21012Ter (NM_003319.4); c.82527G>A, p.Trp27509Ter (NM_133378.4); c.63411G>A, p.Trp21137Ter (NM_133432.3); c.63612G>A, p.Trp21204Ter (NM_133437.4); short protein forms W21012*, W27509*, W21137*, W21204*, W28436*, W30077*.
Identifiers: ClinVar variation 1499575 (VCV001499575.6), dbSNP rs2154151450, ClinGen allele CA349512681.